The following is an entry in ClinVar:

NM_001943.5(DSG2):c.2731T>C (p.Ser911Pro)

Genes: DSG2 (desmoglein 2; plus strand), DSG2-AS1 (DSG2 antisense RNA 1; minus strand). Cytogenetic location: 18q12.1.
Variant type: single nucleotide variant.
Coding change: c.2731T>C on transcript NM_001943.5 (MANE Select); coding-DNA position 2731, T replaced by C.
Protein change: p.Ser911Pro; replaces serine 911 with proline.
Molecular consequence: missense variant.
Genome position (GRCh38, 1-based): chr18:31,546,117, T>C. VCF-style: chr18-31546117-T-C. GRCh37 (hg19) VCF-style: chr18-29126080-T-C.
Other names: short protein forms S911P.
Identifiers: ClinVar variation 2784179 (VCV002784179.3), dbSNP rs2510922428, ClinGen allele CA402146438.

ClinVar aggregate classification (germline): Uncertain significance (1 of 4 stars; one submission).

Conditions:
Arrhythmogenic right ventricular dysplasia 10. Also called: Arrhythmogenic Right Ventricular Dysplasia/Cardiomyopathy10; ARRHYTHMOGENIC RIGHT VENTRICULAR DYSPLASIA, FAMILIAL, 10; Arrhythmogenic right ventricular dysplasia/cardiomyopathy, type 10. Identifiers: MedGen C1857777, MONDO:0012434, OMIM 610193.

Submission:

Labcorp Genetics (formerly Invitae), Labcorp
Classification: Uncertain significance for Arrhythmogenic right ventricular dysplasia 10. Last evaluated: 2024-01-20. Review status: criteria provided, single submitter. Criteria: Invitae Variant Classification Sherloc (09022015). Collection method: clinical testing. Allele origin: germline.
Comment: This sequence change replaces serine, which is neutral and polar, with proline, which is neutral and non-polar, at codon 911 of the DSG2 protein (p.Ser911Pro). This variant is not present in population databases (gnomAD no frequency). This variant has not been reported in the literature in individuals affected with DSG2-related conditions. Advanced modeling of protein sequence and biophysical properties (such as structural, functional, and spatial information, amino acid conservation, physicochemical variation, residue mobility, and thermodynamic stability) performed at Invitae indicates that this missense variant is not expected to disrupt DSG2 protein function with a negative predictive value of 95%. In summary, the available evidence is currently insufficient to determine the role of this variant in disease. Therefore, it has been classified as a Variant of Uncertain Significance.